The following is an entry in ClinVar:

ClinVar aggregate classification (germline): Uncertain significance (1 of 4 stars; one submission).

Submission:

Dasa
Classification: Uncertain significance. Last evaluated: 2025-06-10. Review status: criteria provided, single submitter. Criteria: DASA Assertion Criteria. Collection method: clinical testing. Allele origin: germline.
Comment: NM_001429.4(EP300):c.3766C>A (p.Gln1256Lys) is a missense variant that results in the substitution of glutamine with lysine. This variant is absent from population databases. Computational prediction algorithms are consistent with a deleterious effect. The currently available literature and clinical evidence are not sufficient to establish a definitive association between this variant and the reported condition. Therefore, this variant is classified as a variant of uncertain significance.

NM_001429.4(EP300):c.3766C>A (p.Gln1256Lys)

Gene: EP300 (EP300 lysine acetyltransferase; plus strand). Cytogenetic location: 22q13.2.
Variant type: single nucleotide variant.
Coding change: c.3766C>A on transcript NM_001429.4 (MANE Select); coding-DNA position 3766, C replaced by A.
Protein change: p.Gln1256Lys; replaces glutamine 1256 with lysine.
Molecular consequence: missense variant.
Genome position (GRCh38, 1-based): chr22:41,164,090, C>A. VCF-style: chr22-41164090-C-A. GRCh37 (hg19) VCF-style: chr22-41560094-C-A.
Other names: c.3688C>A, p.Gln1230Lys (NM_001362843.2); short protein forms Q1230K, Q1256K.
Identifiers: ClinVar variation 4883768 (VCV004883768.2).